The following is an entry in ClinVar:

NM_001004334.4(GPR179):c.5606A>C (p.Gln1869Pro)

Gene: GPR179 (G protein-coupled receptor 179; minus strand). Cytogenetic location: 17q12.
Variant type: single nucleotide variant.
Coding change: c.5606A>C on transcript NM_001004334.4 (MANE Select); coding-DNA position 5606, A replaced by C.
Protein change: p.Gln1869Pro; replaces glutamine 1869 with proline.
Molecular consequence: missense variant.
Genome position (GRCh38, 1-based): chr17:38,327,963, T>G on the plus strand (A>C on the coding strand, the complement: GPR179 is on the minus strand). VCF-style: chr17-38327963-T-G. GRCh37 (hg19) VCF-style: chr17-36483846-T-G.
Other names: short protein forms Q1869P.
Identifiers: ClinVar variation 522291 (VCV000522291.16), dbSNP rs201516786, ClinGen allele CA290103442.

ClinVar aggregate classification (germline): Conflicting classifications of pathogenicity. Review status: criteria provided, conflicting classifications (1 of 4 stars). 4 submissions from 4 submitters: Uncertain significance (3); Likely benign (1). Last evaluated 2025-11-24.

Conditions:
Congenital stationary night blindness 1E. Also called: Night blindness, congenital stationary (complete), 1E, autosomal recessive. Identifiers: Orphanet 215, MedGen C3281215, MONDO:0013807, OMIM 614565.
Inborn genetic diseases. Identifiers: MedGen C0950123, MeSH D030342.

Allele frequency attached by ClinVar (database versions not stated): ESP Exome Variant Server 0.00008; 1000 Genomes Project 30x 0.00016; gnomAD 0.00018 and 0.00019; 1000 Genomes Project 0.00020; TOPMed 0.00020; gnomAD exomes 0.00022 and 0.00039; ExAC 0.00027.
gnomAD v4.1: 583 of 1,614,186 alleles (0.036%); highest among the groups gnomAD compares: Non-Finnish European, 0.047%; no homozygotes.

Submissions (4):

Ambry Genetics
Classification: Uncertain significance for Inborn genetic diseases. Last evaluated: 2025-11-24. Review status: criteria provided, single submitter. Criteria: Ambry Variant Classification Scheme 2023. Collection method: clinical testing. Allele origin: germline.

Labcorp Genetics (formerly Invitae), Labcorp
Classification: Uncertain significance. Last evaluated: 2025-01-02. Review status: criteria provided, single submitter. Criteria: Invitae Variant Classification Sherloc (09022015). Collection method: clinical testing. Allele origin: germline.
Comment: This sequence change replaces glutamine, which is neutral and polar, with proline, which is neutral and non-polar, at codon 1869 of the GPR179 protein (p.Gln1869Pro). This variant is present in population databases (rs201516786, gnomAD 0.04%). This variant has not been reported in the literature in individuals affected with GPR179-related conditions. ClinVar contains an entry for this variant (Variation ID: 522291). An algorithm developed to predict the effect of missense changes on protein structure and function (PolyPhen-2) suggests that this variant¬†is likely to be tolerated. In summary, the available evidence is currently insufficient to determine the role of this variant in disease. Therefore, it has been classified as a Variant of Uncertain Significance.

Blueprint Genetics
Classification: Likely benign. Last evaluated: 2024-10-22. Review status: criteria provided, single submitter. Criteria: ACMG Guidelines, 2015. Collection method: clinical testing. Allele origin: germline.

Illumina Laboratory Services, Illumina
Classification: Uncertain significance for Congenital stationary night blindness 1E. Last evaluated: 2018-01-13. Review status: criteria provided, single submitter. Criteria: ICSL Variant Classification Criteria 13 December 2019. Collection method: clinical testing. Allele origin: germline.